The following is an entry in ClinVar:

NM_001267550.2(TTN):c.46747A>T (p.Lys15583Ter)

Genes: TTN (titin; minus strand), TTN-AS1 (TTN antisense RNA 1; plus strand). Cytogenetic location: 2q31.2.
Variant type: single nucleotide variant.
Coding change: c.46747A>T on transcript NM_001267550.2 (MANE Select); coding-DNA position 46747, A replaced by T.
Protein change: p.Lys15583Ter; replaces lysine 15583 with a stop codon.
Molecular consequence: nonsense.
Genome position (GRCh38, 1-based): chr2:178,618,803, T>A on the plus strand (A>T on the coding strand, the complement: TTN is on the minus strand). VCF-style: chr2-178618803-T-A. GRCh37 (hg19) VCF-style: chr2-179483530-T-A.
Other names: c.41824A>T, p.Lys13942Ter (NM_001256850.1); c.19552A>T, p.Lys6518Ter (NM_003319.4); c.39043A>T, p.Lys13015Ter (NM_133378.4); c.19927A>T, p.Lys6643Ter (NM_133432.3); c.20128A>T, p.Lys6710Ter (NM_133437.4); short protein forms K13015*, K13942*, K15583*, K6518*, K6643*, K6710*.
Identifiers: ClinVar variation 4866171 (VCV004866171.1).
Genomic context (GRCh38, chr2:178,618,803, plus strand): 5'-TAAACCATTCAGCTTCTGCTTTGGGGTAGGCATCATATGGCACCACCATTGTCAGAGGCT[T>A]GCCAACATCAACCACAAGGTCTTGGTCAGCTGTCTTGATTTTTGGTGCAGCTAGTGAGAA-3'

ClinVar aggregate classification (germline): Likely pathogenic (1 of 4 stars; one submission).

Conditions:
Cardiovascular phenotype. Identifiers: MedGen CN230736.

Submission:

Ambry Genetics
Classification: Likely pathogenic for Cardiovascular phenotype. Last evaluated: 2026-04-28. Review status: criteria provided, single submitter. Criteria: Ambry Variant Classification Scheme 2023. Collection method: clinical testing. Allele origin: germline.
Comment: The p.K6518* variant (also known as c.19552A>T), located in coding exon 78 of the TTN gene, results from an A to T substitution at nucleotide position 19552. This changes the amino acid from a lysine to a stop codon within coding exon 78. This exon is located in the I-band region of the N2-B isoform of the titin protein and is constitutively expressed in TTN transcripts (percent spliced in or PSI 100%). This variant was reported in individual(s) with features consistent with dilated cardiomyopathy (Ambry internal data). This variant is considered to be rare based on population cohorts in the Genome Aggregation Database (gnomAD). This variant is expected to result in loss of function by premature protein truncation or nonsense-mediated mRNA decay. While truncating variants in TTN are present in 1-3% of the general population, truncating variants in the A-band are the most common cause of dilated cardiomyopathy (Herman DS et al. N. Engl. J. Med., 2012 Feb;366:619-28; Roberts AM et al. Sci Transl Med, 2015 Jan;7:270ra6). TTN truncating variants encoded in constitutive exons (PSI >90%) have been found to be significantly associated with DCM regardless of their position in titin (Schafer S et al. Nat. Genet., 2017 01;49:46-53; Akhtar MM et al. Circ Heart Fail, 2020 Oct;13:e006832; Massier M et al. Clin Genet, 2025 Jan). Based on the majority of available evidence to date, this variant is likely to be pathogenic.